The following is an entry in ClinVar:

ClinVar aggregate classification (germline): Uncertain significance (1 of 4 stars; one submission).

Conditions:
Charcot-Marie-Tooth disease type 4. Also called: Charcot-Marie-Tooth disease, type IV; Charcot-Marie-Tooth, Type 4. Identifiers: Orphanet 64749, MedGen C4082197, MONDO:0018995.

Submission:

Labcorp Genetics (formerly Invitae), Labcorp
Classification: Uncertain significance for Charcot-Marie-Tooth disease type 4. Last evaluated: 2021-04-16. Review status: criteria provided, single submitter. Criteria: Invitae Variant Classification Sherloc (09022015). Collection method: clinical testing. Allele origin: germline.
Comment: In summary, the available evidence is currently insufficient to determine the role of this variant in disease. Therefore, it has been classified as a Variant of Uncertain Significance. Algorithms developed to predict the effect of missense changes on protein structure and function are either unavailable or do not agree on the potential impact of this missense change (SIFT: "Deleterious"; PolyPhen-2: "Probably Damaging"; Align-GVGD: "Class C0"). This variant has not been reported in the literature in individuals with SBF2-related conditions. This variant is not present in population databases (ExAC no frequency). This sequence change replaces glutamine with histidine at codon 651 of the SBF2 protein (p.Gln651His). The glutamine residue is highly conserved and there is a small physicochemical difference between glutamine and histidine.

NM_030962.4(SBF2):c.1953G>C (p.Gln651His)

Genes: SBF2 (SET binding factor 2; minus strand), LOC101928008 (uncharacterized LOC101928008; plus strand). Cytogenetic location: 11p15.4.
Variant type: single nucleotide variant.
Coding change: c.1953G>C on transcript NM_030962.4 (MANE Select); coding-DNA position 1953, G replaced by C.
Protein change: p.Gln651His; replaces glutamine 651 with histidine.
Molecular consequence: missense variant.
Genome position (GRCh38, 1-based): chr11:9,858,373, C>G on the plus strand (G>C on the coding strand, the complement: SBF2 is on the minus strand). VCF-style: chr11-9858373-C-G. GRCh37 (hg19) VCF-style: chr11-9879920-C-G.
Other names: c.1953G>C, p.Gln651His (NM_001386339.1); c.1824G>C, p.Gln608His (NM_001386342.1); short protein forms Q608H, Q651H.
Identifiers: ClinVar variation 1446189 (VCV001446189.8), dbSNP rs2134007186, ClinGen allele CA379642467.
Genomic context (GRCh38, chr11:9,858,373, plus strand): 5'-TGTCTCCCAAAATTGCTGATTTGTCCAAATGGGGTGGTCTTGTACACACGTGTAAGCAAA[C>G]TGGCTGACTCCAGGGGCAAGTTTCTGTGAGAACACACAAAATACATCATCATGGGGCTGG-3'
Protein context (NP_112224.1, residues 641-661): FYRKLAPGVS[Gln651His]FAYTCVQDHP